The following is an entry in ClinVar:

NM_000143.4(FH):c.555+5G>T

Gene: FH (fumarate hydratase; minus strand). Cytogenetic location: 1q43.
Variant type: single nucleotide variant.
Coding change: c.555+5G>T on transcript NM_000143.4 (MANE Select); 5 bases into the intron after coding-DNA position 555, G replaced by T.
Molecular consequence: intron variant.
Genome position (GRCh38, 1-based): chr1:241,511,962, C>A on the plus strand (G>T on the coding strand, the complement: FH is on the minus strand). VCF-style: chr1-241511962-C-A. GRCh37 (hg19) VCF-style: chr1-241675262-C-A.
Identifiers: ClinVar variation 2982500 (VCV002982500.3), dbSNP rs1553341582, ClinGen allele CA2740092669.

ClinVar aggregate classification (germline): Uncertain significance (1 of 4 stars; one submission).

Submission:

Labcorp Genetics (formerly Invitae), Labcorp
Classification: Uncertain significance. Last evaluated: 2023-10-11. Review status: criteria provided, single submitter. Criteria: Invitae Variant Classification Sherloc (09022015). Collection method: clinical testing. Allele origin: germline.
Comment: This sequence change falls in intron 4 of the FH gene. It does not directly change the encoded amino acid sequence of the FH protein. It affects a nucleotide within the consensus splice site. This variant is not present in population databases (gnomAD no frequency). This variant has not been reported in the literature in individuals affected with FH-related conditions. Variants that disrupt the consensus splice site are a relatively common cause of aberrant splicing (PMID: 17576681, 9536098). Algorithms developed to predict the effect of sequence changes on RNA splicing suggest that this variant may disrupt the consensus splice site. In summary, the available evidence is currently insufficient to determine the role of this variant in disease. Therefore, it has been classified as a Variant of Uncertain Significance.

Literature cited by the submitters: PubMed 17576681; PubMed 9536098.